The following is an entry in ClinVar:

NM_002439.5(MSH3):c.2418A>C (p.Glu806Asp)

Gene: MSH3 (mutS homolog 3; plus strand). Cytogenetic location: 5q14.1.
Variant type: single nucleotide variant.
Coding change: c.2418A>C on transcript NM_002439.5 (MANE Select); coding-DNA position 2418, A replaced by C.
Protein change: p.Glu806Asp; replaces glutamic acid 806 with aspartic acid.
Molecular consequence: missense variant.
Genome position (GRCh38, 1-based): chr5:80,778,819, A>C. VCF-style: chr5-80778819-A-C. GRCh37 (hg19) VCF-style: chr5-80074638-A-C.
Other names: short protein forms E806D.
Identifiers: ClinVar variation 2748010 (VCV002748010.3), dbSNP rs1298318722, ClinGen allele CA360281904.

ClinVar aggregate classification (germline): Uncertain significance (1 of 4 stars; one submission).

Submission:

Labcorp Genetics (formerly Invitae), Labcorp
Classification: Uncertain significance. Last evaluated: 2023-10-28. Review status: criteria provided, single submitter. Criteria: Invitae Variant Classification Sherloc (09022015). Collection method: clinical testing. Allele origin: germline.
Comment: This sequence change replaces glutamic acid, which is acidic and polar, with aspartic acid, which is acidic and polar, at codon 806 of the MSH3 protein (p.Glu806Asp). This variant is not present in population databases (gnomAD no frequency). This variant has not been reported in the literature in individuals affected with MSH3-related conditions. An algorithm developed to predict the effect of missense changes on protein structure and function (PolyPhen-2) suggests that this variant is likely to be disruptive. In summary, the available evidence is currently insufficient to determine the role of this variant in disease. Therefore, it has been classified as a Variant of Uncertain Significance.